The following is an entry in ClinVar:

ClinVar aggregate classification (germline): Uncertain significance. Review status: criteria provided, multiple submitters, no conflicts (2 of 4 stars). 2 submissions from 2 submitters: Uncertain significance (2). Last evaluated 2025-08-24.

Conditions:
Inborn genetic diseases. Identifiers: MedGen C0950123, MeSH D030342.

Submissions (2):

Ambry Genetics
Classification: Uncertain significance for Inborn genetic diseases. Last evaluated: 2025-08-24. Review status: criteria provided, single submitter. Criteria: Ambry Variant Classification Scheme 2023. Collection method: clinical testing. Allele origin: germline.
Comment: The p.G580R variant (also known as c.1738G>A), located in coding exon 17 of the ANKRD26 gene, results from a G to A substitution at nucleotide position 1738. The glycine at codon 580 is replaced by arginine, an amino acid with dissimilar properties. This amino acid position is conserved. In addition, this alteration is predicted to be tolerated by in silico analysis. Based on the available evidence, the clinical significance of this variant remains unclear.

Labcorp Genetics (formerly Invitae), Labcorp
Classification: Uncertain significance. Last evaluated: 2023-08-30. Review status: criteria provided, single submitter. Criteria: Invitae Variant Classification Sherloc (09022015). Collection method: clinical testing. Allele origin: germline.
Comment: This variant is not present in population databases (gnomAD no frequency). In summary, the available evidence is currently insufficient to determine the role of this variant in disease. Therefore, it has been classified as a Variant of Uncertain Significance. Algorithms developed to predict the effect of missense changes on protein structure and function output the following: SIFT: "Not Available"; PolyPhen-2: "Benign"; Align-GVGD: "Not Available". The arginine amino acid residue is found in multiple mammalian species, which suggests that this missense change does not adversely affect protein function. This variant has not been reported in the literature in individuals affected with ANKRD26-related conditions. This sequence change replaces glycine, which is neutral and non-polar, with arginine, which is basic and polar, at codon 580 of the ANKRD26 protein (p.Gly580Arg).

NM_014915.3(ANKRD26):c.1738G>A (p.Gly580Arg)

Gene: ANKRD26 (ankyrin repeat domain 26; minus strand). Cytogenetic location: 10p12.1.
Variant type: single nucleotide variant.
Coding change: c.1738G>A on transcript NM_014915.3 (MANE Select); coding-DNA position 1738, G replaced by A.
Protein change: p.Gly580Arg; replaces glycine 580 with arginine.
Molecular consequence: missense variant.
Genome position (GRCh38, 1-based): chr10:27,048,877, C>T on the plus strand (G>A on the coding strand, the complement: ANKRD26 is on the minus strand). VCF-style: chr10-27048877-C-T. GRCh37 (hg19) VCF-style: chr10-27337806-C-T.
Other names: c.1738G>A, p.Gly580Arg (NM_001256053.2); short protein forms G580R.
Identifiers: ClinVar variation 2756726 (VCV002756726.4), dbSNP rs1216270855, ClinGen allele CA376353896.
Genomic context (GRCh38, chr10:27,048,877, plus strand): 5'-TTTCCTTCCTGGGAAATTGCTGATGATCAGTTTCTCCACTCTTTCTTTTTTGAATTAATC[C>T]ATCATCATCATCATCATCTTCAGCATCATCAGTAGCACCATCATGTATGTTTGCTGATAC-3'
Protein context (NP_055730.2, residues 570-590): DDAEDDDDDD[Gly580Arg]LIQKRKSGET